The following is an entry in ClinVar:

ClinVar aggregate classification (germline): Uncertain significance (1 of 4 stars; one submission).

Conditions:
Inborn genetic diseases. Identifiers: MedGen C0950123, MeSH D030342.

Submission:

Ambry Genetics
Classification: Uncertain significance for Inborn genetic diseases. Last evaluated: 2024-12-29. Review status: criteria provided, single submitter. Criteria: Ambry Variant Classification Scheme 2023. Collection method: clinical testing. Allele origin: germline.
Comment: The p.N224S variant (also known as c.671A>G), located in coding exon 3 of the MBD4 gene, results from an A to G substitution at nucleotide position 671. The asparagine at codon 224 is replaced by serine, an amino acid with highly similar properties. This amino acid position is conserved. In addition, this alteration is predicted to be tolerated by in silico analysis. Based on the available evidence, the clinical significance of this variant remains unclear.

NM_001276270.2(MBD4):c.671A>G (p.Asn224Ser)

Gene: MBD4 (methyl-CpG binding domain 4, DNA glycosylase; minus strand). Cytogenetic location: 3q21.3.
Variant type: single nucleotide variant.
Coding change: c.671A>G on transcript NM_001276270.2 (MANE Select); coding-DNA position 671, A replaced by G.
Protein change: p.Asn224Ser; replaces asparagine 224 with serine.
Molecular consequence: missense variant. On other transcripts: intron variant (1).
Genome position (GRCh38, 1-based): chr3:129,436,973, T>C on the plus strand (A>G on the coding strand, the complement: MBD4 is on the minus strand). VCF-style: chr3-129436973-T-C. GRCh37 (hg19) VCF-style: chr3-129155816-T-C.
Other names: c.671A>G, p.Asn224Ser (NM_001276271.2, NM_001276272.2, NM_003925.3); c.247+835A>G (NM_001276273.2); short protein forms N224S.
Identifiers: ClinVar variation 3870879 (VCV003870879.1).